The following is an entry in ClinVar:

NM_016030.6(TRAPPC12):c.*3G>C

Genes: TRAPPC12 (trafficking protein particle complex subunit 12; plus strand), TRAPPC12-AS1 (TRAPPC12 antisense RNA 1; minus strand). Cytogenetic location: 2p25.3.
Variant type: single nucleotide variant.
Coding change: c.*3G>C on transcript NM_016030.6 (MANE Select); 3 bases downstream of the stop codon, G replaced by C.
Molecular consequence: 3 prime UTR variant. On other transcripts: non-coding transcript variant (1).
Genome position (GRCh38, 1-based): chr2:3,479,464, G>C. VCF-style: chr2-3479464-G-C. GRCh37 (hg19) VCF-style: chr2-3483235-G-C.
Other names: c.*3G>C (NM_001321102.2).
Identifiers: ClinVar variation 3034939 (VCV003034939.2), dbSNP rs750838991, ClinGen allele CA1515807.

ClinVar aggregate classification (germline): Likely benign (0 of 4 stars; one submission).

Conditions:
TRAPPC12-related disorder. Also called: TRAPPC12-related condition.

Allele frequency attached by ClinVar (database versions not stated): gnomAD exomes 0.00002; TOPMed 0.00004; gnomAD 0.00005; ExAC 0.00013; 1000 Genomes Project 30x 0.00031.
gnomAD v4.1: 41 of 1,613,658 alleles (0.0025%); highest among the groups gnomAD compares: East Asian, 0.087%; no homozygotes.

Submission:

PreventionGenetics, part of Exact Sciences
Classification: Likely benign for TRAPPC12-related condition. Last evaluated: 2019-08-09. Review status: no assertion criteria provided. Collection method: clinical testing. Allele origin: germline.
Comment: This variant is classified as likely benign based on ACMG/AMP sequence variant interpretation guidelines (Richards et al. 2015 PMID: 25741868, with internal and published modifications).